The following is an entry in ClinVar:

ClinVar aggregate classification (germline): Uncertain significance. Review status: criteria provided, multiple submitters, no conflicts (2 of 4 stars). 3 submissions from 3 submitters: Uncertain significance (3). Last evaluated 2025-08-10.

Conditions:
DUOX2-related disorder. Also called: DUOX2-related condition.
Inborn genetic diseases. Identifiers: MedGen C0950123, MeSH D030342.

Allele frequency attached by ClinVar (database versions not stated): gnomAD 0.00005 and 0.00007; gnomAD exomes 0.00005 and 0.00008; TOPMed 0.00008; ExAC 0.00013; 1000 Genomes Project 0.00040; 1000 Genomes Project 30x 0.00047.

Submissions (3):

Ambry Genetics
Classification: Uncertain significance for Inborn genetic diseases. Last evaluated: 2025-08-10. Review status: criteria provided, single submitter. Criteria: Ambry Variant Classification Scheme 2023. Collection method: clinical testing. Allele origin: germline.

Labcorp Genetics (formerly Invitae), Labcorp
Classification: Uncertain significance. Last evaluated: 2025-01-20. Review status: criteria provided, single submitter. Criteria: Invitae Variant Classification Sherloc (09022015). Collection method: clinical testing. Allele origin: germline.
Comment: This sequence change replaces arginine, which is basic and polar, with histidine, which is basic and polar, at codon 766 of the DUOX2 protein (p.Arg766His). This variant is present in population databases (rs545643570, gnomAD 0.05%). This variant has not been reported in the literature in individuals affected with DUOX2-related conditions. ClinVar contains an entry for this variant (Variation ID: 1019033). Invitae Evidence Modeling of protein sequence and biophysical properties (such as structural, functional, and spatial information, amino acid conservation, physicochemical variation, residue mobility, and thermodynamic stability) indicates that this missense variant is not expected to disrupt DUOX2 protein function with a negative predictive value of 80%. In summary, the available evidence is currently insufficient to determine the role of this variant in disease. Therefore, it has been classified as a Variant of Uncertain Significance.

PreventionGenetics, part of Exact Sciences
Classification: Uncertain significance for DUOX2-related condition. Last evaluated: 2022-12-01. Review status: criteria provided, single submitter. Criteria: ACMG Guidelines, 2015. Collection method: clinical testing. Allele origin: germline.
Comment: The DUOX2 c.2297G>A variant is predicted to result in the amino acid substitution p.Arg766His. To our knowledge, this variant has not been reported in the literature. This variant is reported in 0.056% of alleles in individuals of South Asian descent in gnomAD. At this time, the clinical significance of this variant is uncertain due to the absence of conclusive functional and genetic evidence.

NM_001363711.2(DUOX2):c.2297G>A (p.Arg766His)

Gene: DUOX2 (dual oxidase 2; minus strand). Cytogenetic location: 15q21.1.
Variant type: single nucleotide variant.
Coding change: c.2297G>A on transcript NM_001363711.2 (MANE Select); coding-DNA position 2297, G replaced by A.
Protein change: p.Arg766His; replaces arginine 766 with histidine.
Molecular consequence: missense variant.
Genome position (GRCh38, 1-based): chr15:45,105,680, C>T on the plus strand (G>A on the coding strand, the complement: DUOX2 is on the minus strand). VCF-style: chr15-45105680-C-T. GRCh37 (hg19) VCF-style: chr15-45397878-C-T.
Other names: c.2297G>A (NM_014080.4); c.2297G>A, p.Arg766His (NM_014080.5); short protein forms R766H.
Identifiers: ClinVar variation 1019033 (VCV001019033.7), dbSNP rs545643570, ClinGen allele CA7538306.
Genomic context (GRCh38, chr15:45,105,680, plus strand): 5'-CCAAAAGGCACAGGTCATGGCACCTGAGCAAAAAGGTGTCTGAAGAAGATCTCCAGGATG[C>T]GTTCCCGCTGCTGCTTTGTCACAGCCTTCCTAAATAGCTCCTTCTCGCTCATCTCAGCCA-3'
Protein context (NP_001350640.1, residues 756-776): RKAVTKQQRE[Arg766His]ILEIFFRHLF